The following is an entry in ClinVar:

NC_000003.11:g.10106407-?_10191654+?del

Genes: FANCD2 (FA complementation group D2; plus strand), VHL (von Hippel-Lindau tumor suppressor; plus strand). Cytogenetic location: 3p25.3.
Variant type: Deletion.
Identifiers: ClinVar variation 1070024 (VCV001070024.1).

ClinVar aggregate classification (germline): Pathogenic (1 of 4 stars; one submission).

Conditions:
Chuvash polycythemia. Also called: POLYCYTHEMIA, VHL-DEPENDENT. Identifiers: Orphanet 238557, MedGen C1837915, MONDO:0009892, OMIM 263400.
Von Hippel-Lindau syndrome (VHLS). Also called: Von Hippel-Lindau; von Hippel–Lindau syndrome; VHL syndrome. Identifiers: Orphanet 892, MedGen C0019562, MONDO:0008667, OMIM 193300. Disease mechanism: loss of function.

Submission:

Labcorp Genetics (formerly Invitae), Labcorp
Classification: Pathogenic for Von Hippel-Lindau syndrome; Chuvash polycythemia. Last evaluated: 2016-03-04. Review status: criteria provided, single submitter. Criteria: Invitae Variant Classification Sherloc (09022015). Collection method: clinical testing. Allele origin: germline.
Comment: A gross deletion of the genomic region encompassing the full coding sequence of the VHL gene has been identified. The boundaries of this event are unknown as the deletion extends beyond the assayed region for this gene and therefore may encompass additional genes. Partial and entire coding sequence deletions in the VHL gene have been reported in multiple individuals and families with von Hippel-Lindau disease (PMID: 19764026, 10830910, 19280651, 10567493, 8634692, 17537157, 20567917). For these reasons, this variant has been classified as Pathogenic.

Literature cited by the submitters: PubMed 19764026; PubMed 10830910; PubMed 19280651; PubMed 10567493; PubMed 8634692; PubMed 17537157; PubMed 20567917.